The following is an entry in ClinVar:

ClinVar aggregate classification (germline): Uncertain significance (1 of 4 stars; one submission).

Conditions:
Immunodeficiency 104. Also called: Severe combined immunodeficiency, autosomal recessive, T cell-negative, B cell-positive, NK cell-positive; SCID, AUTOSOMAL RECESSIVE, T CELL-NEGATIVE, B CELL-POSITIVE, NK CELL-POSITIVE; IMMUNODEFICIENCY 104, SEVERE COMBINED; Severe Combined Immune Deficiency, Autosomal Recessive, TCell -Negative, B Cell-Positive, NK Cell-Positive, IL7R-Related. Identifiers: MedGen C5676890, MONDO:0012163, OMIM 608971.

gnomAD v4.1: 1 of 1,613,252 alleles (0.000062%); no homozygotes.

Submission:

Labcorp Genetics (formerly Invitae), Labcorp
Classification: Uncertain significance for Immunodeficiency 104. Last evaluated: 2022-04-21. Review status: criteria provided, single submitter. Criteria: Invitae Variant Classification Sherloc (09022015). Collection method: clinical testing. Allele origin: germline.
Comment: In summary, the available evidence is currently insufficient to determine the role of this variant in disease. Therefore, it has been classified as a Variant of Uncertain Significance. Algorithms developed to predict the effect of missense changes on protein structure and function are either unavailable or do not agree on the potential impact of this missense change (SIFT: "Deleterious"; PolyPhen-2: "Benign"; Align-GVGD: "Class C0"). This variant has not been reported in the literature in individuals affected with PTPRC-related conditions. This variant is not present in population databases (gnomAD no frequency). This sequence change replaces leucine, which is neutral and non-polar, with arginine, which is basic and polar, at codon 198 of the PTPRC protein (p.Leu198Arg).

NM_002838.5(PTPRC):c.593T>G (p.Leu198Arg)

Gene: PTPRC (protein tyrosine phosphatase receptor type C; plus strand). Cytogenetic location: 1q32.1.
Variant type: single nucleotide variant.
Coding change: c.593T>G on transcript NM_002838.5 (MANE Select); coding-DNA position 593, T replaced by G.
Protein change: p.Leu198Arg; replaces leucine 198 with arginine.
Molecular consequence: missense variant.
Genome position (GRCh38, 1-based): chr1:198,703,307, T>G. VCF-style: chr1-198703307-T-G. GRCh37 (hg19) VCF-style: chr1-198672436-T-G.
Other names: c.110T>G, p.Leu37Arg (NM_080921.4); short protein forms L37R, L198R.
Identifiers: ClinVar variation 1982161 (VCV001982161.3), dbSNP rs376744253, ClinGen allele CA36182966.